The following is an entry in ClinVar:

ClinVar aggregate classification (germline): Benign (1 of 4 stars; one submission).

Conditions:
Glycogen storage disease, type II (IOPD). Also called: Pompe Disease; CARDIOMEGALIA GLYCOGENICA DIFFUSA; GLYCOGENOSIS, GENERALIZED, CARDIAC FORM; GSD II; POMPE DISEASE, INFANTILE-ONSET; GLYCOGEN STORAGE DISEASE II, INFANTILE-ONSET. Identifiers: Orphanet 365, MedGen C0017921, MONDO:0009290, OMIM 232300.

gnomAD v4.1: 8,833 of 152,170 alleles (5.8%); highest among the groups gnomAD compares: South Asian, 15%; 507 homozygotes.

Submission:

Genomenon, Inc
Classification: Benign for Glycogen storage disease, type II. Last evaluated: 2026-07-01. Review status: criteria provided, single submitter. Criteria: Genomenon Sequence Variant Interpretation Standards - Updated. Collection method: curation. Allele origin: germline. Affected: no.
Comment: GAA c.2189+1263A>G is an intronic variant located in intron 15. This variant is present at high allele frequency in population databases. We classify GAA c.2189+1263A>G as a benign variant.

NM_000152.5(GAA):c.2189+1263A>G

Gene: GAA (alpha glucosidase; plus strand). Cytogenetic location: 17q25.3.
Variant type: single nucleotide variant.
Coding change: c.2189+1263A>G on transcript NM_000152.5 (MANE Select); 1263 bases into the intron after coding-DNA position 2189, A replaced by G.
Molecular consequence: intron variant.
Genome position (GRCh38, 1-based): chr17:80,114,629, A>G. VCF-style: chr17-80114629-A-G. GRCh37 (hg19) VCF-style: chr17-78088428-A-G.
Other names: c.2189+1263A>G (NM_001406741.1, NM_001406742.1, NM_001079803.3 and 1 more transcripts).
Identifiers: ClinVar variation 4876359 (VCV004876359.1).